The following is an entry in ClinVar:

ClinVar aggregate classification (germline): Uncertain significance (1 of 4 stars; one submission).

Submission:

Labcorp Genetics (formerly Invitae), Labcorp
Classification: Uncertain significance. Last evaluated: 2024-08-23. Review status: criteria provided, single submitter. Criteria: Invitae Variant Classification Sherloc (09022015). Collection method: clinical testing. Allele origin: germline.
Comment: This sequence change replaces methionine, which is neutral and non-polar, with isoleucine, which is neutral and non-polar, at codon 855 of the IL12RB2 protein (p.Met855Ile). This variant is not present in population databases (gnomAD no frequency). This variant has not been reported in the literature in individuals affected with IL12RB2-related conditions. An algorithm developed to predict the effect of missense changes on protein structure and function outputs the following: PolyPhen-2: "Benign". The isoleucine amino acid residue is found in multiple mammalian species, which suggests that this missense change does not adversely affect protein function. In summary, the available evidence is currently insufficient to determine the role of this variant in disease. Therefore, it has been classified as a Variant of Uncertain Significance.

NM_001374259.2(IL12RB2):c.2565G>T (p.Met855Ile)

Gene: IL12RB2 (interleukin 12 receptor subunit beta 2; plus strand). Cytogenetic location: 1p31.3.
Variant type: single nucleotide variant.
Coding change: c.2565G>T on transcript NM_001374259.2 (MANE Select); coding-DNA position 2565, G replaced by T.
Protein change: p.Met855Ile; replaces methionine 855 with isoleucine.
Molecular consequence: missense variant. On other transcripts: 3 prime UTR variant (3), non-coding transcript variant (2).
Genome position (GRCh38, 1-based): chr1:67,396,065, G>T. VCF-style: chr1-67396065-G-T. GRCh37 (hg19) VCF-style: chr1-67861748-G-T.
Other names: c.*485G>T (NM_001258214.1, NM_001319233.1); c.2307G>T, p.Met769Ile (NM_001258215.1); c.*466G>T (NM_001258216.1); c.2565G>T, p.Met855Ile (NM_001559.3); short protein forms M855I, M769I.
Identifiers: ClinVar variation 3682809 (VCV003682809.2).